The following is an entry in ClinVar:

ClinVar aggregate classification (germline): Uncertain significance (1 of 4 stars; one submission).

Allele frequency attached by ClinVar (database versions not stated): gnomAD exomes below 0.00001.
gnomAD v4.1: 11 of 1,614,162 alleles (0.00068%); highest among the groups gnomAD compares: African/African-American, 0.008%; no homozygotes.

Submission:

Labcorp Genetics (formerly Invitae), Labcorp
Classification: Uncertain significance. Last evaluated: 2024-10-08. Review status: criteria provided, single submitter. Criteria: Invitae Variant Classification Sherloc (09022015). Collection method: clinical testing. Allele origin: germline.
Comment: This sequence change replaces lysine, which is basic and polar, with glutamic acid, which is acidic and polar, at codon 661 of the CNGA1 protein (p.Lys661Glu). This variant is not present in population databases (gnomAD no frequency). This variant has not been reported in the literature in individuals affected with CNGA1-related conditions. ClinVar contains an entry for this variant (Variation ID: 1511213). An algorithm developed to predict the effect of missense changes on protein structure and function (PolyPhen-2) suggests that this variant is likely to be tolerated. In summary, the available evidence is currently insufficient to determine the role of this variant in disease. Therefore, it has been classified as a Variant of Uncertain Significance.

NM_001379270.1(CNGA1):c.1969A>G (p.Lys657Glu)

Genes: CNGA1 (cyclic nucleotide gated channel subunit alpha 1; minus strand), LOC101927157 (uncharacterized LOC101927157; plus strand). Cytogenetic location: 4p12.
Variant type: single nucleotide variant.
Coding change: c.1969A>G on transcript NM_001379270.1 (MANE Select); coding-DNA position 1969, A replaced by G.
Protein change: p.Lys657Glu; replaces lysine 657 with glutamic acid.
Molecular consequence: missense variant.
Genome position (GRCh38, 1-based): chr4:47,936,513, T>C on the plus strand (A>G on the coding strand, the complement: CNGA1 is on the minus strand). VCF-style: chr4-47936513-T-C. GRCh37 (hg19) VCF-style: chr4-47938530-T-C.
Other names: c.1969A>G, p.Lys657Glu (NM_000087.5, NM_001142564.2); short protein forms K657E.
Identifiers: ClinVar variation 1511213 (VCV001511213.6), dbSNP rs540881872, ClinGen allele CA96687830.